The following is an entry in ClinVar:

ClinVar aggregate classification (germline): Benign/Likely benign. Review status: criteria provided, multiple submitters, no conflicts (2 of 4 stars). 3 submissions from 2 submitters: Benign (1); Likely benign (2). Last evaluated 2018-07-09.

Conditions:
Leigh syndrome (NULS). Also called: Leigh's syndrome; Leigh Syndrome (mtDNA deletion); Leigh Disease; Leigh's necrotizing encephalopathy; Leigh's disease; Subacute necrotizing encephalopathy. Identifiers: Orphanet 506, MedGen C2931891, MONDO:0009723, OMIM 256000.
Mitochondrial complex I deficiency, nuclear type 1. Also called: NADH-COENZYME Q REDUCTASE DEFICIENCY; MITOCHONDRIAL NADH DEHYDROGENASE COMPONENT OF COMPLEX I, DEFICIENCY OF. Identifiers: MedGen C6022305, MONDO:0100224, OMIM 252010.

Allele frequency attached by ClinVar (database versions not stated): gnomAD 0.02654 and 0.02838; TOPMed 0.02959; 1000 Genomes Project 0.03055; 1000 Genomes Project 30x 0.03342.

Submissions (3):

GeneDx
Classification: Benign. Last evaluated: 2018-07-09. Review status: criteria provided, single submitter. Criteria: GeneDx Variant Classification Process June 2021. Collection method: clinical testing. Allele origin: germline. Affected: yes.

Illumina Laboratory Services, Illumina
Classification: Likely benign for Leigh syndrome. Last evaluated: 2017-04-27. Review status: criteria provided, single submitter. Criteria: ICSL Variant Classification Criteria 13 December 2019. Collection method: clinical testing. Allele origin: germline.
Comment: This variant was observed as part of a predisposition screen in an ostensibly healthy population. A literature search was performed for the gene, cDNA change, and amino acid change (where applicable). No publications were found based on this search. Allele frequency data from public databases allowed determination this variant is unlikely to cause disease. Therefore, this variant is classified as likely benign.

Illumina Laboratory Services, Illumina
Classification: Likely benign for Mitochondrial complex I deficiency, nuclear type 1. Last evaluated: 2017-04-27. Review status: criteria provided, single submitter. Criteria: ICSL Variant Classification Criteria 13 December 2019. Collection method: clinical testing. Allele origin: germline.
Comment: the same text as in the submission from Illumina Laboratory Services, Illumina above.

NM_005006.7(NDUFS1):c.*256C>T

Gene: NDUFS1 (NADH:ubiquinone oxidoreductase core subunit S1; minus strand). Cytogenetic location: 2q33.3.
Variant type: single nucleotide variant.
Coding change: c.*256C>T on transcript NM_005006.7 (MANE Select); 256 bases downstream of the stop codon, C replaced by T.
Molecular consequence: 3 prime UTR variant.
Genome position (GRCh38, 1-based): chr2:206,123,929, G>A on the plus strand (C>T on the coding strand, the complement: NDUFS1 is on the minus strand). VCF-style: chr2-206123929-G-A. GRCh37 (hg19) VCF-style: chr2-206988653-G-A.
Other names: c.*256C>T (NM_001199981.2, NM_001199982.2, NM_001199983.2 and 1 more transcripts).
Identifiers: ClinVar variation 333775 (VCV000333775.6), dbSNP rs10198830, ClinGen allele CA10612152.